The following is an entry in ClinVar:

ClinVar aggregate classification (germline): Uncertain significance (1 of 4 stars; one submission).

Submission:

Labcorp Genetics (formerly Invitae), Labcorp
Classification: Uncertain significance. Last evaluated: 2024-09-11. Review status: criteria provided, single submitter. Criteria: Invitae Variant Classification Sherloc (09022015). Collection method: clinical testing. Allele origin: germline.
Comment: This sequence change affects the initiator methionine of the KANK2 mRNA. The next in-frame methionine is located at codon 192. This variant is present in population databases (rs761898153, gnomAD 0.02%). This variant has not been reported in the literature in individuals affected with KANK2-related conditions. Experimental studies and prediction algorithms are not available or were not evaluated, and the functional significance of this variant is currently unknown. In summary, the available evidence is currently insufficient to determine the role of this variant in disease. Therefore, it has been classified as a Variant of Uncertain Significance.

NM_001136191.3(KANK2):c.-5AGA[1] (p.Met1del)

Gene: KANK2 (KN motif and ankyrin repeat domains 2; minus strand). Cytogenetic location: 19p13.2.
Variant type: Microsatellite.
Coding change: c.-5AGA[1] on transcript NM_001136191.3 (MANE Select); one copy of the 3-base unit AGA starting at c.-5; the reference has two copies in a row; one copy, 3 bases deleted.
Protein change: p.Met1del; deletes methionine 1.
Molecular consequence: initiator codon variant.
Genome position (GRCh38, 1-based): chr19:11,194,511-11,194,513, TCT deleted on the plus strand (AGA on the coding strand, the reverse complement: KANK2 is on the minus strand); deleting any 3 consecutive bases within chr19:11,194,511-11,194,517 gives the same sequence; the position shown is the placement nearest the transcript's 3' end. VCF-style (leftmost placement, unchanged base first): chr19-11194510-ATCT-A. GRCh37 (hg19) VCF-style: chr19-11305186-ATCT-A.
Other names: c.-5AGA[1], p.Met1del (NM_001329451.2, NM_001379548.1, NM_001379549.1 and 15 more transcripts); short protein forms M1del.
Identifiers: ClinVar variation 3702676 (VCV003702676.2).